The following is an entry in ClinVar:

NM_004360.5(CDH1):c.2132T>C (p.Leu711Pro)

Gene: CDH1 (cadherin 1; plus strand). Cytogenetic location: 16q22.1.
Variant type: single nucleotide variant.
Coding change: c.2132T>C on transcript NM_004360.5 (MANE Select); coding-DNA position 2132, T replaced by C.
Protein change: p.Leu711Pro; replaces leucine 711 with proline.
Molecular consequence: missense variant.
Genome position (GRCh38, 1-based): chr16:68,823,594, T>C. VCF-style: chr16-68823594-T-C. GRCh37 (hg19) VCF-style: chr16-68857497-T-C.
Other names: c.1949T>C, p.Leu650Pro (NM_001317184.2); c.584T>C, p.Leu195Pro (NM_001317185.2); c.167T>C, p.Leu56Pro (NM_001317186.2); short protein forms L195P, L711P, L650P, L56P.
Identifiers: ClinVar variation 2767022 (VCV002767022.3), dbSNP rs2543946207, ClinGen allele CA396467911.

ClinVar aggregate classification (germline): Uncertain significance (1 of 4 stars; one submission).

Conditions:
Hereditary diffuse gastric adenocarcinoma (HDGC). Also called: DIFFUSE GASTRIC AND LOBULAR BREAST CANCER SYNDROME. Identifiers: Orphanet 26106, MedGen C1708349, MONDO:0007648, OMIM 137215.

Submission:

Labcorp Genetics (formerly Invitae), Labcorp
Classification: Uncertain significance for Hereditary diffuse gastric adenocarcinoma. Last evaluated: 2023-10-09. Review status: criteria provided, single submitter. Criteria: Invitae Variant Classification Sherloc (09022015). Collection method: clinical testing. Allele origin: germline.
Comment: This sequence change replaces leucine, which is neutral and non-polar, with proline, which is neutral and non-polar, at codon 711 of the CDH1 protein (p.Leu711Pro). This variant is not present in population databases (gnomAD no frequency). This variant has not been reported in the literature in individuals affected with CDH1-related conditions. An algorithm developed to predict the effect of missense changes on protein structure and function (PolyPhen-2) suggests that this variant is likely to be disruptive. In summary, the available evidence is currently insufficient to determine the role of this variant in disease. Therefore, it has been classified as a Variant of Uncertain Significance.